The following is an entry in ClinVar:

ClinVar aggregate classification (germline): Pathogenic (1 of 4 stars; one submission).

Conditions:
Ectodermal dysplasia 10A, hypohidrotic/hair/nail type, autosomal dominant (ECTD10A). Also called: Ectodermal Dysplasia 3, Anhidrotic. Identifiers: Orphanet 1810, Orphanet 238468, MedGen C3888065, MONDO:0007509, OMIM 129490.
Autosomal recessive hypohidrotic ectodermal dysplasia syndrome. Also called: Autosomal recessive hypohidrotic ectodermal dysplasia. Identifiers: Orphanet 248, MedGen C0406702, MONDO:0016619.

Submission:

Labcorp Genetics (formerly Invitae), Labcorp
Classification: Pathogenic for Ectodermal dysplasia 10A, hypohidrotic/hair/nail type, autosomal dominant; Autosomal recessive hypohidrotic ectodermal dysplasia syndrome. Last evaluated: 2021-10-18. Review status: criteria provided, single submitter. Criteria: Invitae Variant Classification Sherloc (09022015). Collection method: clinical testing. Allele origin: germline.
Comment: This variant is not present in population databases (ExAC no frequency). For these reasons, this variant has been classified as Pathogenic. This variant disrupts the p.Gly405 amino acid residue in EDAR. Other variant(s) that disrupt this residue have been observed in individuals with EDAR-related conditions (Invitae), which suggests that this may be a clinically significant amino acid residue. Advanced modeling of protein sequence and biophysical properties (such as structural, functional, and spatial information, amino acid conservation, physicochemical variation, residue mobility, and thermodynamic stability) performed at Invitae indicates that this missense variant is expected to disrupt EDAR protein function. ClinVar contains an entry for this variant (Variation ID: 934620). This missense change has been observed in individual(s) with hypohidrotic ectodermal dysplasia (Invitae). This sequence change replaces glycine with aspartic acid at codon 405 of the EDAR protein (p.Gly405Asp). The glycine residue is highly conserved and there is a moderate physicochemical difference between glycine and aspartic acid.

NM_022336.4(EDAR):c.1214G>A (p.Gly405Asp)

Genes: EDAR (ectodysplasin A receptor; minus strand), RANBP2 (RAN binding protein 2; plus strand). Cytogenetic location: 2q13.
Variant type: single nucleotide variant.
Coding change: c.1214G>A on transcript NM_022336.4 (MANE Select); coding-DNA position 1214, G replaced by A.
Protein change: p.Gly405Asp; replaces glycine 405 with aspartic acid.
Molecular consequence: missense variant.
Genome position (GRCh38, 1-based): chr2:108,897,040, C>T on the plus strand (G>A on the coding strand, the complement: EDAR is on the minus strand). VCF-style: chr2-108897040-C-T. GRCh37 (hg19) VCF-style: chr2-109513496-C-T.
Other names: short protein forms G405D.
Identifiers: ClinVar variation 934620 (VCV000934620.9), dbSNP rs1696610594, ClinGen allele CA348047953.